The following is an entry in ClinVar:

ClinVar aggregate classification (germline): Uncertain significance (1 of 4 stars; one submission).

gnomAD v4.1: 3 of 1,614,120 alleles (0.00019%); highest among the groups gnomAD compares: African/African-American, 0.0027%; no homozygotes.

Submission:

GeneDx
Classification: Uncertain significance. Last evaluated: 2023-07-11. Review status: criteria provided, single submitter. Criteria: GeneDx Variant Classification Process June 2021. Collection method: clinical testing. Allele origin: germline. Affected: yes.
Comment: In silico analysis supports that this missense variant has a deleterious effect on protein structure/function; Has not been previously published as pathogenic or benign to our knowledge

NM_001130823.3(DNMT1):c.2303T>C (p.Ile768Thr)

Gene: DNMT1 (DNA methyltransferase 1; minus strand). Cytogenetic location: 19p13.2.
Variant type: single nucleotide variant.
Coding change: c.2303T>C on transcript NM_001130823.3 (MANE Select); coding-DNA position 2303, T replaced by C.
Protein change: p.Ile768Thr; replaces isoleucine 768 with threonine.
Molecular consequence: missense variant.
Genome position (GRCh38, 1-based): chr19:10,149,931, A>G on the plus strand (T>C on the coding strand, the complement: DNMT1 is on the minus strand). VCF-style: chr19-10149931-A-G. GRCh37 (hg19) VCF-style: chr19-10260607-A-G.
Other names: c.2255T>C, p.Ile752Thr (NM_001318730.2, NM_001379.4); c.1940T>C, p.Ile647Thr (NM_001318731.2); short protein forms I647T, I752T, I768T.
Identifiers: ClinVar variation 3360468 (VCV003360468.1).